The following is an entry in ClinVar:

ClinVar aggregate classification (germline): Uncertain significance (1 of 4 stars; one submission).

Conditions:
TH-deficient dopa-responsive dystonia. Also called: Tyrosine Hydroxylase-Deficient Dopa-Responsive Dystonia; Segawa syndrome, autosomal recessive; DYT-TH. Identifiers: Orphanet 101150, MedGen C2673535, MONDO:0011551, OMIM 605407.

gnomAD v4.1: 1 of 1,461,064 alleles (0.000068%); highest among the groups gnomAD compares: Non-Finnish European, 0.000091%; no homozygotes.

Submission:

Labcorp Genetics (formerly Invitae), Labcorp
Classification: Uncertain significance for TH-deficient dopa-responsive dystonia. Last evaluated: 2022-08-16. Review status: criteria provided, single submitter. Criteria: Invitae Variant Classification Sherloc (09022015). Collection method: clinical testing. Allele origin: germline.
Comment: This sequence change replaces glycine, which is neutral and non-polar, with valine, which is neutral and non-polar, at codon 528 of the TH protein (p.Gly528Val). The frequency data for this variant in the population databases is considered unreliable, as metrics indicate poor data quality at this position in the gnomAD database. This variant has not been reported in the literature in individuals affected with TH-related conditions. Algorithms developed to predict the effect of missense changes on protein structure and function are either unavailable or do not agree on the potential impact of this missense change (SIFT: "Deleterious"; PolyPhen-2: "Benign"; Align-GVGD: "Class C0"). In summary, the available evidence is currently insufficient to determine the role of this variant in disease. Therefore, it has been classified as a Variant of Uncertain Significance.

NM_000360.4(TH):c.1490G>T (p.Gly497Val)

Gene: TH (tyrosine hydroxylase; minus strand). Cytogenetic location: 11p15.5.
Variant type: single nucleotide variant.
Coding change: c.1490G>T on transcript NM_000360.4 (MANE Select); coding-DNA position 1490, G replaced by T.
Protein change: p.Gly497Val; replaces glycine 497 with valine.
Molecular consequence: missense variant.
Genome position (GRCh38, 1-based): chr11:2,164,237, C>A on the plus strand (G>T on the coding strand, the complement: TH is on the minus strand). VCF-style: chr11-2164237-C-A. GRCh37 (hg19) VCF-style: chr11-2185467-C-A.
Other names: c.1583G>T, p.Gly528Val (NM_199292.3); c.1571G>T, p.Gly524Val (NM_199293.3); short protein forms G524V, G528V, G497V.
Identifiers: ClinVar variation 2083406 (VCV002083406.1), dbSNP rs753632777, ClinGen allele CA5818232.